The following is an entry in ClinVar:

ClinVar aggregate classification (germline): Uncertain significance (1 of 4 stars; one submission).

Submission:

Women's Health and Genetics/Laboratory Corporation of America, LabCorp
Classification: Uncertain significance. Last evaluated: 2024-07-12. Review status: criteria provided, single submitter. Criteria: LabCorp Variant Classification Summary - May 2015. Collection method: clinical testing. Allele origin: germline.
Comment: Variant summary: SPG7 c.625G>A (p.Ala209Thr) results in a non-conservative amino acid change located in the Peptidase M41, FtsH extracellular domain (IPR011546) of the encoded protein sequence. Three of five in-silico tools predict a benign effect of the variant on protein function. The variant was absent in 251494 control chromosomes. The available data on variant occurrences in the general population are insufficient to allow any conclusion about variant significance. To our knowledge, no occurrence of c.625G>A in individuals affected with Hereditary Spastic Paraplegia 7 and no experimental evidence demonstrating its impact on protein function have been reported. No submitters have cited clinical-significance assessments for this variant to ClinVar. Based on the evidence outlined above, the variant was classified as uncertain significance.

NM_003119.4(SPG7):c.625G>A (p.Ala209Thr)

Gene: SPG7 (SPG7 matrix AAA peptidase subunit, paraplegin; plus strand). Cytogenetic location: 16q24.3.
Variant type: single nucleotide variant.
Coding change: c.625G>A on transcript NM_003119.4 (MANE Select); coding-DNA position 625, G replaced by A.
Protein change: p.Ala209Thr; replaces alanine 209 with threonine.
Molecular consequence: missense variant.
Genome position (GRCh38, 1-based): chr16:89,526,335, G>A. VCF-style: chr16-89526335-G-A. GRCh37 (hg19) VCF-style: chr16-89592743-G-A.
Other names: c.625G>A, p.Ala209Thr (NM_001363850.1, NM_199367.3); short protein forms A209T.
Identifiers: ClinVar variation 3338920 (VCV003338920.1).